The following is an entry in ClinVar:

ClinVar aggregate classification (germline): Uncertain significance (1 of 4 stars; one submission).

Submission:

Labcorp Genetics (formerly Invitae), Labcorp
Classification: Uncertain significance. Last evaluated: 2022-09-05. Review status: criteria provided, single submitter. Criteria: Invitae Variant Classification Sherloc (09022015). Collection method: clinical testing. Allele origin: germline.
Comment: In summary, the available evidence is currently insufficient to determine the role of this variant in disease. Therefore, it has been classified as a Variant of Uncertain Significance. Algorithms developed to predict the effect of missense changes on protein structure and function are either unavailable or do not agree on the potential impact of this missense change (SIFT: "Deleterious"; PolyPhen-2: "Possibly Damaging"; Align-GVGD: "Class C0"). This variant has not been reported in the literature in individuals affected with PGK1-related conditions. This variant is not present in population databases (gnomAD no frequency). This sequence change replaces asparagine, which is neutral and polar, with isoleucine, which is neutral and non-polar, at codon 250 of the PGK1 protein (p.Asn250Ile).

NM_000291.4(PGK1):c.749A>T (p.Asn250Ile)

Gene: PGK1 (phosphoglycerate kinase 1; plus strand). Cytogenetic location: Xq21.1.
Variant type: single nucleotide variant.
Coding change: c.749A>T on transcript NM_000291.4 (MANE Select); coding-DNA position 749, A replaced by T.
Protein change: p.Asn250Ile; replaces asparagine 250 with isoleucine.
Molecular consequence: missense variant.
Genome position (GRCh38, 1-based): chrX:78,122,942, A>T. VCF-style: chrX-78122942-A-T. GRCh37 (hg19) VCF-style: chrX-77378439-A-T.
Other names: short protein forms N250I.
Identifiers: ClinVar variation 2029142 (VCV002029142.4), dbSNP rs2522502109, ClinGen allele CA413716012.